The following is an entry in ClinVar:

NM_014264.5(PLK4):c.1350T>G (p.Asn450Lys)

Gene: PLK4 (polo like kinase 4; plus strand). Cytogenetic location: 4q28.1.
Variant type: single nucleotide variant.
Coding change: c.1350T>G on transcript NM_014264.5 (MANE Select); coding-DNA position 1350, T replaced by G.
Protein change: p.Asn450Lys; replaces asparagine 450 with lysine.
Molecular consequence: missense variant.
Genome position (GRCh38, 1-based): chr4:127,886,720, T>G. VCF-style: chr4-127886720-T-G. GRCh37 (hg19) VCF-style: chr4-128807875-T-G.
Other names: c.1254T>G, p.Asn418Lys (NM_001190799.2); c.1227T>G, p.Asn409Lys (NM_001190801.2); short protein forms N418K, N450K, N409K.
Identifiers: ClinVar variation 2051044 (VCV002051044.4), dbSNP rs771156770, ClinGen allele CA358154540.

ClinVar aggregate classification (germline): Uncertain significance (1 of 4 stars; one submission).

gnomAD v4.1: 1 of 1,592,822 alleles (0.000063%); highest among the groups gnomAD compares: Non-Finnish European, 0.000086%; no homozygotes.

Submission:

Labcorp Genetics (formerly Invitae), Labcorp
Classification: Uncertain significance. Last evaluated: 2021-12-21. Review status: criteria provided, single submitter. Criteria: Invitae Variant Classification Sherloc (09022015). Collection method: clinical testing. Allele origin: germline.
Comment: This sequence change replaces asparagine, which is neutral and polar, with lysine, which is basic and polar, at codon 450 of the PLK4 protein (p.Asn450Lys). This variant is not present in population databases (gnomAD no frequency). This variant has not been reported in the literature in individuals affected with PLK4-related conditions. Algorithms developed to predict the effect of missense changes on protein structure and function (SIFT, PolyPhen-2, Align-GVGD) all suggest that this variant is likely to be tolerated. In summary, the available evidence is currently insufficient to determine the role of this variant in disease. Therefore, it has been classified as a Variant of Uncertain Significance.